The following is an entry in ClinVar:

ClinVar aggregate classification (germline): Pathogenic/Likely pathogenic. Review status: criteria provided, multiple submitters, no conflicts (2 of 4 stars). 2 submissions from 2 submitters: Pathogenic (1); Likely pathogenic (1). Last evaluated 2025-12-17.

Conditions:
Bardet-Biedl syndrome 7 (BBS7). Identifiers: Orphanet 110, MedGen C1859565, MONDO:0014435, OMIM 615984.
BBS7-related disorder. Also called: BBS7-related condition.

Submissions (2):

PreventionGenetics, part of Exact Sciences
Classification: Pathogenic for BBS7-related condition. Last evaluated: 2025-12-17. Review status: criteria provided, single submitter. Criteria: ACMG Guidelines, 2015. Collection method: clinical testing. Allele origin: germline.
Comment: The BBS7 c.601+2T>C variant is predicted to disrupt the GT donor site and interfere with normal splicing. This variant was reported, along with a second missense variant, in two individuals with Bardet-Biedl syndrome (Bin et al. 2009. PubMed ID: 19402160). This variant has not been reported in a large population database (gnomAD), indicating this variant is rare. Variants that disrupt the consensus splice donor site in BBS7 are expected to be pathogenic. This variant is interpreted as pathogenic.

Baylor Genetics
Classification: Likely pathogenic for Bardet-Biedl syndrome 7. Last evaluated: 2024-03-19. Review status: criteria provided, single submitter. Criteria: ACMG Guidelines, 2015. Collection method: clinical testing. Allele origin: unknown.

NM_176824.3(BBS7):c.601+2T>C

Gene: BBS7 (Bardet-Biedl syndrome 7; minus strand). Cytogenetic location: 4q27.
Variant type: single nucleotide variant.
Coding change: c.601+2T>C on transcript NM_176824.3 (MANE Select); the canonical splice donor site of the intron after coding-DNA position 601, T replaced by C.
Molecular consequence: splice donor variant.
Genome position (GRCh38, 1-based): chr4:121,855,487, A>G on the plus strand (T>C on the coding strand, the complement: BBS7 is on the minus strand). VCF-style: chr4-121855487-A-G. GRCh37 (hg19) VCF-style: chr4-122776642-A-G.
Other names: c.601+2T>C (NM_176824.2, NM_018190.4).
Identifiers: ClinVar variation 3240901 (VCV003240901.2), dbSNP rs72680775.
Genomic context (GRCh38, chr4:121,855,487, plus strand): 5'-TTCCCATTTTCACTTACTATTAAAACACATAGTTGATTTGTGAAAAATAAAATCCTGATT[A>G]CCGCCATTTCCATTGTGTAGTGCTAAGACAGTAGGGGGTCCAGGAACTTCAACTGCATAC-3'